The following is an entry in ClinVar:

NM_001330260.2(SCN8A):c.4813A>G (p.Ile1605Val)

Gene: SCN8A (sodium voltage-gated channel alpha subunit 8; plus strand). Cytogenetic location: 12q13.13.
Variant type: single nucleotide variant.
Coding change: c.4813A>G on transcript NM_001330260.2 (MANE Select); coding-DNA position 4813, A replaced by G.
Protein change: p.Ile1605Val; replaces isoleucine 1605 with valine.
Molecular consequence: missense variant.
Genome position (GRCh38, 1-based): chr12:51,806,299, A>G. VCF-style: chr12-51806299-A-G. GRCh37 (hg19) VCF-style: chr12-52200083-A-G.
Other names: NP_055006.1:p.Ile1605Arg; c.4690A>G, p.Ile1564Val (NM_001177984.3, NM_001369788.1); c.4813A>G, p.Ile1605Val (NM_014191.4); short protein forms I1605V, I1564V.
Identifiers: ClinVar variation 253291 (VCV000253291.7), dbSNP rs879255706, ClinGen allele CA10586304.

ClinVar aggregate classification (germline): Uncertain significance. Review status: criteria provided, single submitter (1 of 4 stars). 2 submissions from 2 submitters: Uncertain significance (1). 1 of the submissions does not count toward it. Last evaluated 2022-06-22.

Conditions:
Developmental and epileptic encephalopathy, 13 (DEE13). Also called: Developmental and Epileptic Encephalopathy (SCN8A-DEE); SCN8A-Related Epilepsy; Early infantile epileptic encephalopathy 13. Identifiers: Orphanet 442835, MedGen C3281191, MONDO:0013801, OMIM 614558.
Early-infantile DEE. Also called: Early infantile epileptic encephalopathy; Ohtahara syndrome; Early infantile epileptic encephalopathy with suppression bursts. Identifiers: Orphanet 1934, MedGen C0393706, MONDO:0800491.

Submissions (2):

Labcorp Genetics (formerly Invitae), Labcorp
Classification: Uncertain significance for Early-infantile DEE. Last evaluated: 2022-06-22. Review status: criteria provided, single submitter. Criteria: Invitae Variant Classification Sherloc (09022015). Collection method: clinical testing. Allele origin: germline.
Comment: This variant has not been reported in the literature in individuals affected with SCN8A-related conditions. ClinVar contains an entry for this variant (Variation ID: 253291). Algorithms developed to predict the effect of missense changes on protein structure and function (SIFT, PolyPhen-2, Align-GVGD) all suggest that this variant is likely to be tolerated. In summary, the available evidence is currently insufficient to determine the role of this variant in disease. Therefore, it has been classified as a Variant of Uncertain Significance. This variant is not present in population databases (gnomAD no frequency). This sequence change replaces isoleucine, which is neutral and non-polar, with valine, which is neutral and non-polar, at codon 1605 of the SCN8A protein (p.Ile1605Val).

GeneReviews
No classification provided. Condition: Developmental and epileptic encephalopathy, 13. Review status: no classification provided. Collection method: literature only. Allele origin: germline. Affected: yes. Not counted in ClinVar's aggregate classification.

Literature cited by the submitters: PubMed 25568300 (cited by GeneReviews); NCBI Bookshelf NBK379665 (cited by GeneReviews).